The following is an entry in ClinVar:

ClinVar aggregate classification (germline): Likely benign (1 of 4 stars; one submission).

Allele frequency attached by ClinVar (database versions not stated): gnomAD exomes below 0.00001.
gnomAD v4.1: 2 of 1,613,700 alleles (0.00012%); highest among the groups gnomAD compares: South Asian, 0.0011%; no homozygotes.

Submission:

CeGaT Center for Human Genetics Tuebingen
Classification: Likely benign. Last evaluated: 2023-04-01. Review status: criteria provided, single submitter. Criteria: CeGaT Center For Human Genetics Tuebingen Variant Classification Criteria Version 2. Collection method: clinical testing. Allele origin: germline. Affected: yes. Observed: 1 variant allele.
Comment: FAT2: PM2:Supporting, BP4, BP7

NM_001447.3(FAT2):c.9384G>A (p.Val3128=)

Genes: FAT2 (FAT atypical cadherin 2; minus strand), SLC36A1 (solute carrier family 36 member 1; plus strand). Cytogenetic location: 5q33.1.
Variant type: single nucleotide variant.
Coding change: c.9384G>A on transcript NM_001447.3 (MANE Select); coding-DNA position 9384, G replaced by A.
Protein change: p.Val3128=; no amino-acid change (valine 3128 retained).
Molecular consequence: synonymous variant.
Genome position (GRCh38, 1-based): chr5:151,534,452, C>T on the plus strand (G>A on the coding strand, the complement: FAT2 is on the minus strand). VCF-style: chr5-151534452-C-T. GRCh37 (hg19) VCF-style: chr5-150914013-C-T.
Identifiers: ClinVar variation 2655954 (VCV002655954.24), dbSNP rs2481039453, ClinGen allele CA447212700.